The following is an entry in ClinVar:

NM_019044.5(CCDC93):c.1421G>T (p.Arg474Ile)

Gene: CCDC93 (coiled-coil domain containing 93; minus strand). Cytogenetic location: 2q14.1.
Variant type: single nucleotide variant.
Coding change: c.1421G>T on transcript NM_019044.5 (MANE Select); coding-DNA position 1421, G replaced by T.
Protein change: p.Arg474Ile; replaces arginine 474 with isoleucine.
Molecular consequence: missense variant.
Genome position (GRCh38, 1-based): chr2:117,941,290, C>A on the plus strand (G>T on the coding strand, the complement: CCDC93 is on the minus strand). VCF-style: chr2-117941290-C-A. GRCh37 (hg19) VCF-style: chr2-118698866-C-A.
Other names: short protein forms R474I.
Identifiers: ClinVar variation 3345883 (VCV003345883.1).

ClinVar aggregate classification (germline): Uncertain significance (0 of 4 stars; one submission).

Conditions:
CCDC93-related condition.

gnomAD v4.1: 2 of 1,613,246 alleles (0.00012%); highest among the groups gnomAD compares: Non-Finnish European, 0.00017%; no homozygotes.

Submission:

PreventionGenetics, part of Exact Sciences
Classification: Uncertain significance for CCDC93-related condition. Last evaluated: 2024-09-06. Review status: no assertion criteria provided. Collection method: clinical testing. Allele origin: germline.
Comment: The CCDC93 c.1421G>T variant is predicted to result in the amino acid substitution p.Arg474Ile. To our knowledge, this variant has not been reported in the literature or in a large population database, indicating this variant is rare. At this time, the clinical significance of this variant is uncertain due to the absence of conclusive functional and genetic evidence.